The following is an entry in ClinVar:

ClinVar aggregate classification (germline): Uncertain significance. Review status: criteria provided, multiple submitters, no conflicts (2 of 4 stars). 3 submissions from 3 submitters: Uncertain significance (3). Last evaluated 2023-11-15.

Conditions:
Hereditary cancer-predisposing syndrome. Also called: Tumor predisposition; Hereditary Cancer Syndrome; Hereditary neoplastic syndrome; Neoplastic Syndromes, Hereditary. Identifiers: Orphanet 140162, MedGen C0027672, MeSH D009386, MONDO:0015356.

Allele frequency attached by ClinVar (database versions not stated): gnomAD exomes below 0.00001 and 0.00001; TOPMed below 0.00001.
gnomAD v4.1: 10 of 1,603,064 alleles (0.00062%); highest among the groups gnomAD compares: Non-Finnish European, 0.00085%; no homozygotes.

Submissions (3):

Ambry Genetics
Classification: Uncertain significance for Hereditary cancer-predisposing syndrome. Last evaluated: 2023-11-15. Review status: criteria provided, single submitter. Criteria: Ambry Variant Classification Scheme 2023. Collection method: clinical testing. Allele origin: germline.
Comment: The p.G276R variant (also known as c.826G>A), located in coding exon 3 of the XRCC2 gene, results from a G to A substitution at nucleotide position 826. The glycine at codon 276 is replaced by arginine, an amino acid with dissimilar properties. This amino acid position is conserved. In addition, this alteration is predicted to be deleterious by in silico analysis. Since supporting evidence is limited at this time, the clinical significance of this alteration remains unclear.

Labcorp Genetics (formerly Invitae), Labcorp
Classification: Uncertain significance. Last evaluated: 2023-08-07. Review status: criteria provided, single submitter. Criteria: Invitae Variant Classification Sherloc (09022015). Collection method: clinical testing. Allele origin: germline.
Comment: This sequence change replaces glycine, which is neutral and non-polar, with arginine, which is basic and polar, at codon 276 of the XRCC2 protein (p.Gly276Arg). This variant is present in population databases (rs730882044, gnomAD 0.0009%). This variant has not been reported in the literature in individuals affected with XRCC2-related conditions. ClinVar contains an entry for this variant (Variation ID: 182999). Advanced modeling of protein sequence and biophysical properties (such as structural, functional, and spatial information, amino acid conservation, physicochemical variation, residue mobility, and thermodynamic stability) performed at Invitae indicates that this missense variant is expected to disrupt XRCC2 protein function. In summary, the available evidence is currently insufficient to determine the role of this variant in disease. Therefore, it has been classified as a Variant of Uncertain Significance.

GeneDx
Classification: Uncertain significance. Last evaluated: 2017-11-30. Review status: criteria provided, single submitter. Criteria: GeneDx Variant Classification (06012015). Collection method: clinical testing. Allele origin: germline. Affected: yes.
Comment: This variant is denoted XRCC2 c.826G>A at the cDNA level, p.Gly276Arg (G276R) at the protein level, and results in the change of a Glycine to an Arginine (GGG>AGG). This variant has not, to our knowledge, been published in the literature as pathogenic or benign. XRCC2 Gly276Arg was not observed at a significant allele frequency in large population cohorts (Lek 2016). Since Glycine and Arginine differ in polarity, charge, size or other properties, this is considered a non-conservative amino acid substitution. XRCC2 Gly276Arg is not located in a known functional domain. In-silico analyses, including protein predictors and evolutionary conservation, support a deleterious effect. Based on currently available information, it is unclear whether XRCC2 Gly276Arg is pathogenic or benign. We consider it to be a variant of uncertain significance.

NM_005431.2(XRCC2):c.826G>A (p.Gly276Arg)

Gene: XRCC2 (X-ray repair cross complementing 2; minus strand). Cytogenetic location: 7q36.1.
Variant type: single nucleotide variant.
Coding change: c.826G>A on transcript NM_005431.2 (MANE Select); coding-DNA position 826, G replaced by A.
Protein change: p.Gly276Arg; replaces glycine 276 with arginine.
Molecular consequence: missense variant.
Genome position (GRCh38, 1-based): chr7:152,648,659, C>T on the plus strand (G>A on the coding strand, the complement: XRCC2 is on the minus strand). VCF-style: chr7-152648659-C-T. GRCh37 (hg19) VCF-style: chr7-152345744-C-T.
Other names: p.G276R:GGG>AGG; short protein forms G276R.
Identifiers: ClinVar variation 182999 (VCV000182999.7), dbSNP rs730882044, ClinGen allele CA300481.